The following is an entry in ClinVar:

ClinVar aggregate classification (germline): Pathogenic (1 of 4 stars; one submission).

Conditions:
Inflammatory bowel disease 28. Also called: Inflammatory bowel disease 28, early onset, autosomal recessive. Identifiers: Orphanet 238569, MedGen C2751053, MONDO:0013153, OMIM 613148.

Submission:

Labcorp Genetics (formerly Invitae), Labcorp
Classification: Pathogenic for Inflammatory bowel disease 28. Last evaluated: 2018-06-13. Review status: criteria provided, single submitter. Criteria: Invitae Variant Classification Sherloc (09022015). Collection method: clinical testing. Allele origin: germline.
Comment: This variant has not been reported in the literature in individuals with IL10RA-related disease. For these reasons, this variant has been classified as Pathogenic. Loss-of-function variants in IL10RA are known to be pathogenic (PMID: 24216686, 25373860, 26822028). This variant is not present in population databases (ExAC no frequency). This sequence change creates a premature translational stop signal (p.Tyr252*) in the IL10RA gene. It is expected to result in an absent or disrupted protein product.

Literature cited by the submitters: PubMed 24216686; PubMed 25373860; PubMed 26822028.

NM_001558.4(IL10RA):c.756C>A (p.Tyr252Ter)

Gene: IL10RA (interleukin 10 receptor subunit alpha; plus strand). Cytogenetic location: 11q23.3.
Variant type: single nucleotide variant.
Coding change: c.756C>A on transcript NM_001558.4 (MANE Select); coding-DNA position 756, C replaced by A.
Protein change: p.Tyr252Ter; replaces tyrosine 252 with a stop codon.
Molecular consequence: nonsense. On other transcripts: non-coding transcript variant (1).
Genome position (GRCh38, 1-based): chr11:117,995,656, C>A. VCF-style: chr11-117995656-C-A. GRCh37 (hg19) VCF-style: chr11-117866371-C-A.
Other names: short protein forms Y252*.
Identifiers: ClinVar variation 1074445 (VCV001074445.7), dbSNP rs2134991615, ClinGen allele CA382776784.